The following is an entry in ClinVar:

NM_005876.5(SPEG):c.6782C>T (p.Pro2261Leu)

Genes: ASIC4-AS1 (ASIC4 antisense RNA 1; minus strand), SPEG (striated muscle enriched protein kinase; plus strand). Cytogenetic location: 2q35.
Variant type: single nucleotide variant.
Coding change: c.6782C>T on transcript NM_005876.5 (MANE Select); coding-DNA position 6782, C replaced by T.
Protein change: p.Pro2261Leu; replaces proline 2261 with leucine.
Molecular consequence: missense variant.
Genome position (GRCh38, 1-based): chr2:219,484,245, C>T. VCF-style: chr2-219484245-C-T. GRCh37 (hg19) VCF-style: chr2-220348967-C-T.
Other names: p.Pro2261Leu; short protein forms P2261L.
Identifiers: ClinVar variation 783358 (VCV000783358.14), dbSNP rs79250336, ClinGen allele CA2127118.
Genomic context (GRCh38, chr2:219,484,245, plus strand): 5'-CCCTCACACCCTATGCTCAGATCATTCAGTCCCTCCAGCTGTCAGGCCACGCCCAGGGCC[C>T]CTCGCAGGGCCCTGCCGCGCCGCCTTCAGAGCCCAAGCCCCACGCTGCTGTCTTTGCCAG-3'
Protein context (NP_005867.3, residues 2251-2271): SLQLSGHAQG[Pro2261Leu]SQGPAAPPSE

ClinVar aggregate classification (germline): Benign. Review status: criteria provided, multiple submitters, no conflicts (2 of 4 stars). 4 submissions from 4 submitters: Benign (3). 1 of the submissions does not count toward it. Last evaluated 2026-02-01.

Conditions:
SPEG-related disorder. Also called: SPEG-related condition.

Allele frequency attached by ClinVar (database versions not stated): gnomAD exomes 0.00158 and 0.00386; ExAC 0.00460; ESP Exome Variant Server 0.01571; gnomAD 0.01573 and 0.01676; TOPMed 0.01764; 1000 Genomes Project 0.01877; 1000 Genomes Project 30x 0.01968.
gnomAD v4.1: 4,800 of 1,611,128 alleles (0.3%); highest among the groups gnomAD compares: African/African-American, 5.5%; 129 homozygotes.

Submissions (4):

Labcorp Genetics (formerly Invitae), Labcorp
Classification: Benign. Last evaluated: 2026-02-01. Review status: criteria provided, single submitter. Criteria: Invitae Variant Classification Sherloc (09022015). Collection method: clinical testing. Allele origin: germline.

Mayo Clinic Laboratories, Mayo Clinic
Classification: Benign. Last evaluated: 2018-02-20. Review status: criteria provided, single submitter. Criteria: ACMG Guidelines, 2015. Collection method: clinical testing. Allele origin: germline. Observed: 6 variant alleles.

Breakthrough Genomics
Classification: Benign. Review status: criteria provided, single submitter. Criteria: ACMG Guidelines, 2015. Collection method: not provided. Allele origin: germline. Inheritance: Autosomal recessive inheritance. Affected: yes.

PreventionGenetics, part of Exact Sciences
Classification: Benign for SPEG-related condition. Last evaluated: 2019-07-29. Review status: no assertion criteria provided. Collection method: clinical testing. Allele origin: germline. Not counted in ClinVar's aggregate classification.
Comment: This variant is classified as benign based on ACMG/AMP sequence variant interpretation guidelines (Richards et al. 2015 PMID: 25741868, with internal and published modifications).